The following is an entry in ClinVar:

NM_021252.5(RAB18):c.186+78C>G

Gene: RAB18 (RAB18, member RAS oncogene family; plus strand). Cytogenetic location: 10p12.1.
Variant type: single nucleotide variant.
Coding change: c.186+78C>G on transcript NM_021252.5 (MANE Select); 78 bases into the intron after coding-DNA position 186, C replaced by G.
Molecular consequence: intron variant.
Genome position (GRCh38, 1-based): chr10:27,526,967, C>G. VCF-style: chr10-27526967-C-G. GRCh37 (hg19) VCF-style: chr10-27815896-C-G.
Other names: c.186+78C>G (NM_001256410.2, NM_001256411.2, NM_001256412.2).
Identifiers: ClinVar variation 673955 (VCV000673955.2), dbSNP rs17749628, ClinGen allele CA204497043.

ClinVar aggregate classification (germline): Benign. Review status: criteria provided, multiple submitters, no conflicts (2 of 4 stars). 2 submissions from 2 submitters: Benign (2). Last evaluated 2018-06-14.

Allele frequency attached by ClinVar (database versions not stated): 1000 Genomes Project 0.02097; 1000 Genomes Project 30x 0.02124; TOPMed 0.02444; gnomAD 0.02962 and 0.03018; gnomAD exomes 0.03771.
gnomAD v4.1: 52,273 of 1,425,676 alleles (3.7%); highest among the groups gnomAD compares: South Asian, 5%; 1,144 homozygotes.

Submissions (2):

GeneDx
Classification: Benign. Last evaluated: 2018-06-14. Review status: criteria provided, single submitter. Criteria: GeneDx Variant Classification (06012015). Collection method: clinical testing. Allele origin: germline. Affected: yes.
Comment: This variant is considered likely benign or benign based on one or more of the following criteria: it is a conservative change, it occurs at a poorly conserved position in the protein, it is predicted to be benign by multiple in silico algorithms, and/or has population frequency not consistent with disease.

Breakthrough Genomics
Classification: Benign. Review status: criteria provided, single submitter. Criteria: ACMG Guidelines, 2015. Collection method: not provided. Allele origin: germline. Inheritance: Autosomal recessive inheritance. Affected: yes.